The following is an entry in ClinVar:

NM_001394090.1(CFAP92):c.2793G>A (p.Pro931=)

Gene: CFAP92 (cilia and flagella associated protein 92 (putative); minus strand). Cytogenetic location: 3q21.3.
Variant type: single nucleotide variant.
Coding change: c.2793G>A on transcript NM_001394090.1 (MANE Select); coding-DNA position 2793, G replaced by A.
Protein change: p.Pro931=; no amino-acid change (proline 931 retained).
Molecular consequence: synonymous variant.
Genome position (GRCh38, 1-based): chr3:128,916,230, C>T on the plus strand (G>A on the coding strand, the complement: CFAP92 is on the minus strand). VCF-style: chr3-128916230-C-T. GRCh37 (hg19) VCF-style: chr3-128635073-C-T.
Other names: c.1920G>A, p.Pro640= (NM_001348520.2); c.1824G>A, p.Pro608= (NM_001348521.2).
Identifiers: ClinVar variation 2654114 (VCV002654114.24), dbSNP rs147348071, ClinGen allele CA82546211.

ClinVar aggregate classification (germline): Likely benign (1 of 4 stars; one submission).

Allele frequency attached by ClinVar (database versions not stated): 1000 Genomes Project 0.00120; gnomAD 0.00155; TOPMed 0.00161; 1000 Genomes Project 30x 0.00187.
gnomAD v4.1: 391 of 1,232,064 alleles (0.032%); highest among the groups gnomAD compares: African/African-American, 0.53%; 2 homozygotes.

Submission:

CeGaT Center for Human Genetics Tuebingen
Classification: Likely benign. Last evaluated: 2022-06-01. Review status: criteria provided, single submitter. Criteria: CeGaT Center For Human Genetics Tuebingen Variant Classification Criteria Version 2. Collection method: clinical testing. Allele origin: germline. Affected: yes. Observed: 1 variant allele.
Comment: CFAP92: BP4, BP7